The following is an entry in ClinVar:

NM_000179.3(MSH6):c.1760C>T (p.Ala587Val)

Gene: MSH6 (mutS homolog 6; plus strand). Cytogenetic location: 2p16.3.
Variant type: single nucleotide variant.
Coding change: c.1760C>T on transcript NM_000179.3 (MANE Select); coding-DNA position 1760, C replaced by T.
Protein change: p.Ala587Val; replaces alanine 587 with valine.
Molecular consequence: missense variant.
Genome position (GRCh38, 1-based): chr2:47,799,743, C>T. VCF-style: chr2-47799743-C-T. GRCh37 (hg19) VCF-style: chr2-48026882-C-T.
Other names: c.1370C>T, p.Ala457Val (NM_001281492.2); c.854C>T, p.Ala285Val (NM_001281493.2, NM_001281494.2); short protein forms A587V, A457V, A285V.
Identifiers: ClinVar variation 410452 (VCV000410452.48), dbSNP rs1060502907, ClinGen allele CA16610898.

ClinVar aggregate classification (germline): Uncertain significance (1 of 4 stars; one submission).

Conditions:
Hereditary nonpolyposis colorectal neoplasms. Identifiers: MedGen C0009405, MeSH D003123.

gnomAD v4.1: 1 of 1,614,150 alleles (0.000062%); highest among the groups gnomAD compares: Non-Finnish European, 0.000085%; no homozygotes.

Submission:

Labcorp Genetics (formerly Invitae), Labcorp
Classification: Uncertain significance for Hereditary nonpolyposis colorectal neoplasms. Last evaluated: 2022-10-04. Review status: criteria provided, single submitter. Criteria: Invitae Variant Classification Sherloc (09022015). Collection method: clinical testing. Allele origin: germline.
Comment: ClinVar contains an entry for this variant (Variation ID: 410452). In summary, the available evidence is currently insufficient to determine the role of this variant in disease. Therefore, it has been classified as a Variant of Uncertain Significance. Algorithms developed to predict the effect of sequence changes on RNA splicing suggest that this variant may create or strengthen a splice site. Advanced modeling of protein sequence and biophysical properties (such as structural, functional, and spatial information, amino acid conservation, physicochemical variation, residue mobility, and thermodynamic stability) has been performed at Invitae for this missense variant, however the output from this modeling did not meet the statistical confidence thresholds required to predict the impact of this variant on MSH6 protein function. This variant has not been reported in the literature in individuals affected with MSH6-related conditions. This variant is not present in population databases (gnomAD no frequency). This sequence change replaces alanine, which is neutral and non-polar, with valine, which is neutral and non-polar, at codon 587 of the MSH6 protein (p.Ala587Val).